The following is an entry in ClinVar:

NM_001330677.2(TBX15):c.522A>G (p.Arg174=)

Gene: TBX15 (T-box transcription factor 15; minus strand). Cytogenetic location: 1p12.
Variant type: single nucleotide variant.
Coding change: c.522A>G on transcript NM_001330677.2 (MANE Select); coding-DNA position 522, A replaced by G.
Protein change: p.Arg174=; no amino-acid change (arginine 174 retained).
Molecular consequence: synonymous variant.
Genome position (GRCh38, 1-based): chr1:118,924,817, T>C on the plus strand (A>G on the coding strand, the complement: TBX15 is on the minus strand). VCF-style: chr1-118924817-T-C. GRCh37 (hg19) VCF-style: chr1-119467440-T-C.
Other names: c.204A>G, p.Arg68= (NM_152380.3).
Identifiers: ClinVar variation 709802 (VCV000709802.38), dbSNP rs61730014, ClinGen allele CA1035048.

ClinVar aggregate classification (germline): Benign/Likely benign. Review status: criteria provided, multiple submitters, no conflicts (2 of 4 stars). 6 submissions from 6 submitters: Benign (2); Likely benign (2). 2 of the submissions do not count toward it. Last evaluated 2026-01-01.

Conditions:
Inborn genetic diseases. Identifiers: MedGen C0950123, MeSH D030342.

Allele frequency attached by ClinVar (database versions not stated): 1000 Genomes Project 0.00040; 1000 Genomes Project 30x 0.00047; gnomAD 0.00337 and 0.00313; gnomAD exomes 0.00359 and 0.00368; ExAC 0.00370; TOPMed 0.00219; ESP Exome Variant Server 0.00223.
gnomAD v4.1: 5,683 of 1,613,738 alleles (0.35%); highest among the groups gnomAD compares: Non-Finnish European, 0.38%; 16 homozygotes.

Submissions (6):

CeGaT Center for Human Genetics Tuebingen
Classification: Likely benign. Last evaluated: 2026-01-01. Review status: criteria provided, single submitter. Criteria: CeGaT Center For Human Genetics Tuebingen Variant Classification Criteria Version 2. Collection method: clinical testing. Allele origin: germline. Affected: yes. Observed: 2 variant alleles.
Comment: TBX15: BP4, BP7

Labcorp Genetics (formerly Invitae), Labcorp
Classification: Benign. Last evaluated: 2025-12-29. Review status: criteria provided, single submitter. Criteria: Invitae Variant Classification Sherloc (09022015). Collection method: clinical testing. Allele origin: germline.

Ambry Genetics
Classification: Likely benign for Inborn genetic diseases. Last evaluated: 2023-07-29. Review status: criteria provided, single submitter. Criteria: Ambry Variant Classification Scheme 2023. Collection method: clinical testing. Allele origin: germline.

Breakthrough Genomics
Classification: Benign. Review status: criteria provided, single submitter. Criteria: ACMG Guidelines, 2015. Collection method: not provided. Allele origin: germline. Inheritance: Autosomal recessive inheritance. Affected: yes.

Clinical Genetics DNA and cytogenetics Diagnostics Lab, Erasmus MC, Erasmus Medical Center
Classification: Likely benign. Review status: no assertion criteria provided. Collection method: clinical testing. Allele origin: germline. Affected: yes. Study: VKGL Data-share Consensus. Not counted in ClinVar's aggregate classification.

Laboratory of Diagnostic Genome Analysis, Leiden University Medical Center (LUMC)
Classification: Likely benign. Review status: no assertion criteria provided. Collection method: clinical testing. Allele origin: germline. Affected: yes. Study: VKGL Data-share Consensus. Not counted in ClinVar's aggregate classification.